The following is an entry in ClinVar:

ClinVar aggregate classification (germline): Pathogenic. Review status: criteria provided, single submitter (1 of 4 stars). 2 submissions from 2 submitters: Pathogenic (1). 1 of the submissions does not count toward it. Last evaluated 2023-02-23.

Conditions:
Mitochondrial complex IV deficiency, nuclear type 21. Also called: Mitochondrial complex 4 deficiency, nuclear type 21. Identifiers: MedGen C5436727, MONDO:0033656, OMIM 619065.

Submissions (2):

3billion
Classification: Pathogenic for Mitochondrial complex IV deficiency, nuclear type 21. Last evaluated: 2023-02-23. Review status: criteria provided, single submitter. Criteria: ACMG Guidelines, 2015. Collection method: clinical testing. Allele origin: unknown. Affected: yes.
Comment: The variant is not observed in the gnomAD v2.1.1 dataset. This variant was predicted to alter splicing and result in a loss or disruption of normal protein function. Multiple pathogenic loss-of-function variants are reported downstream of the variant. Therefore, this variant is classified as Pathogenic according to the recommendation of ACMG/AMP guideline.

OMIM
Classification: Pathogenic for MITOCHONDRIAL COMPLEX IV DEFICIENCY, NUCLEAR TYPE 21. Last evaluated: 2026-09-28. Review status: no assertion criteria provided. Collection method: literature only. Allele origin: germline. Not counted in ClinVar's aggregate classification.

Literature cited by the submitters: PubMed 42218136 (cited by OMIM).

NM_002489.4(COXFA4):c.42+1del

Gene: COXFA4 (cytochrome c oxidase associated subunit FA4; minus strand). Cytogenetic location: 7p21.3.
Variant type: Deletion.
Coding change: c.42+1del on transcript NM_002489.4 (MANE Select); the canonical splice donor site of the intron after coding-DNA position 42, one base deleted (G; older notation c.42+1delG).
Molecular consequence: splice donor variant.
Genome position (GRCh38, 1-based): chr7:10,940,015, C deleted on the plus strand (G on the coding strand, the reverse complement: COXFA4 is on the minus strand). VCF-style (leftmost placement, unchanged base first): chr7-10940014-AC-A. GRCh37 (hg19) VCF-style: chr7-10979641-AC-A.
Identifiers: ClinVar variation 2444066 (VCV002444066.2), dbSNP rs2534043245, ClinGen allele CA2580076024.